The following is an entry in ClinVar:

ClinVar aggregate classification (germline): Uncertain significance (1 of 4 stars; one submission).

Allele frequency attached by ClinVar (database versions not stated): gnomAD 0.00001 and 0.00002; gnomAD exomes 0.00001; ExAC 0.00002; TOPMed 0.00002.
gnomAD v4.1: 15 of 1,612,392 alleles (0.00093%); highest among the groups gnomAD compares: African/African-American, 0.0013%; no homozygotes.

Submission:

Labcorp Genetics (formerly Invitae), Labcorp
Classification: Uncertain significance. Last evaluated: 2021-12-02. Review status: criteria provided, single submitter. Criteria: Invitae Variant Classification Sherloc (09022015). Collection method: clinical testing. Allele origin: germline.
Comment: In summary, the available evidence is currently insufficient to determine the role of this variant in disease. Therefore, it has been classified as a Variant of Uncertain Significance. Algorithms developed to predict the effect of missense changes on protein structure and function (SIFT, PolyPhen-2, Align-GVGD) all suggest that this variant is likely to be tolerated. This variant has not been reported in the literature in individuals affected with NDUFAF3-related conditions. This variant is present in population databases (rs749785283, gnomAD 0.0009%). This sequence change replaces serine, which is neutral and polar, with leucine, which is neutral and non-polar, at codon 35 of the NDUFAF3 protein (p.Ser35Leu).

NM_199069.2(NDUFAF3):c.104C>T (p.Ser35Leu)

Genes: NDUFAF3 (NADH:ubiquinone oxidoreductase complex assembly factor 3; plus strand), LOC129936730 (ATAC-STARR-seq lymphoblastoid silent region 14350; plus strand). Cytogenetic location: 3p21.31.
Variant type: single nucleotide variant.
Coding change: c.104C>T on transcript NM_199069.2 (MANE Select); coding-DNA position 104, C replaced by T.
Protein change: p.Ser35Leu; replaces serine 35 with leucine.
Molecular consequence: missense variant. On other transcripts: 5 prime UTR variant (3).
Genome position (GRCh38, 1-based): chr3:49,022,372, C>T. VCF-style: chr3-49022372-C-T. GRCh37 (hg19) VCF-style: chr3-49059805-C-T.
Other names: c.-68C>T (NM_199070.2, NM_199073.2, NM_199074.2); short protein forms S35L.
Identifiers: ClinVar variation 1374128 (VCV001374128.6), dbSNP rs749785283, ClinGen allele CA2390193.